The following is an entry in ClinVar:

NM_020435.4(GJC2):c.11T>G (p.Met4Arg)

Gene: GJC2 (gap junction protein gamma 2; plus strand). Cytogenetic location: 1q42.13.
Variant type: single nucleotide variant.
Coding change: c.11T>G on transcript NM_020435.4 (MANE Select); coding-DNA position 11, T replaced by G.
Protein change: p.Met4Arg; replaces methionine 4 with arginine.
Molecular consequence: missense variant.
Genome position (GRCh38, 1-based): chr1:228,157,769, T>G. VCF-style: chr1-228157769-T-G. GRCh37 (hg19) VCF-style: chr1-228345470-T-G.
Other names: short protein forms M4R.
Identifiers: ClinVar variation 1504081 (VCV001504081.6), dbSNP rs2124965914, ClinGen allele CA345096708.

ClinVar aggregate classification (germline): Uncertain significance (1 of 4 stars; one submission).

Conditions:
Spastic paraplegia. Identifiers: MedGen C0037772, HP:0001258.

Submission:

Labcorp Genetics (formerly Invitae), Labcorp
Classification: Uncertain significance for Spastic paraplegia. Last evaluated: 2021-11-15. Review status: criteria provided, single submitter. Criteria: Invitae Variant Classification Sherloc (09022015). Collection method: clinical testing. Allele origin: germline.
Comment: This sequence change replaces methionine, which is neutral and non-polar, with arginine, which is basic and polar, at codon 4 of the GJC2 protein (p.Met4Arg). This variant is not present in population databases (gnomAD no frequency). In summary, the available evidence is currently insufficient to determine the role of this variant in disease. Therefore, it has been classified as a Variant of Uncertain Significance. Algorithms developed to predict the effect of sequence changes on RNA splicing suggest that this variant may create or strengthen a splice site. Algorithms developed to predict the effect of missense changes on protein structure and function (SIFT, PolyPhen-2, Align-GVGD) all suggest that this variant is likely to be disruptive. This variant has not been reported in the literature in individuals affected with GJC2-related conditions.